The following is an entry in ClinVar:

ClinVar aggregate classification (germline): Uncertain significance (1 of 4 stars; one submission).

Allele frequency attached by ClinVar (database versions not stated): gnomAD exomes below 0.00001.
gnomAD v4.1: 1 of 1,613,904 alleles (0.000062%); highest among the groups gnomAD compares: African/African-American, 0.0013%; no homozygotes.

Submission:

Labcorp Genetics (formerly Invitae), Labcorp
Classification: Uncertain significance. Last evaluated: 2022-08-12. Review status: criteria provided, single submitter. Criteria: Invitae Variant Classification Sherloc (09022015). Collection method: clinical testing. Allele origin: germline.
Comment: In summary, the available evidence is currently insufficient to determine the role of this variant in disease. Therefore, it has been classified as a Variant of Uncertain Significance. Algorithms developed to predict the effect of sequence changes on RNA splicing suggest that this variant may disrupt the consensus splice site. Algorithms developed to predict the effect of missense changes on protein structure and function are either unavailable or do not agree on the potential impact of this missense change (SIFT: "Deleterious"; PolyPhen-2: "Probably Damaging"; Align-GVGD: "Class C0"). This variant has not been reported in the literature in individuals affected with CPA1-related conditions. This variant is not present in population databases (gnomAD no frequency). This sequence change replaces serine, which is neutral and polar, with cysteine, which is neutral and slightly polar, at codon 71 of the CPA1 protein (p.Ser71Cys).

NM_001868.4(CPA1):c.211A>T (p.Ser71Cys)

Gene: CPA1 (carboxypeptidase A1; plus strand). Cytogenetic location: 7q32.2.
Variant type: single nucleotide variant.
Coding change: c.211A>T on transcript NM_001868.4 (MANE Select); coding-DNA position 211, A replaced by T.
Protein change: p.Ser71Cys; replaces serine 71 with cysteine.
Molecular consequence: missense variant.
Genome position (GRCh38, 1-based): chr7:130,381,693, A>T. VCF-style: chr7-130381693-A-T. GRCh37 (hg19) VCF-style: chr7-130021534-A-T.
Other names: short protein forms S71C.
Identifiers: ClinVar variation 1716221 (VCV001716221.5), dbSNP rs1554411201, ClinGen allele CA369279800.